The following is an entry in ClinVar:

ClinVar aggregate classification (germline): Uncertain significance (1 of 4 stars; one submission).

Conditions:
Charcot-Marie-Tooth disease dominant intermediate B (CMTDIB). Also called: CHARCOT-MARIE-TOOTH NEUROPATHY, DOMINANT INTERMEDIATE B; Charcot-Marie-Tooth disease dominant intermediate 1; CMT DI1; Charcot-Marie-Tooth disease dominant intermediate I. Identifiers: Orphanet 100044, Orphanet 228179, MedGen C1847902, MONDO:0011674, OMIM 606482.

Submission:

Labcorp Genetics (formerly Invitae), Labcorp
Classification: Uncertain significance for Charcot-Marie-Tooth disease dominant intermediate B. Last evaluated: 2023-06-17. Review status: criteria provided, single submitter. Criteria: Invitae Variant Classification Sherloc (09022015). Collection method: clinical testing. Allele origin: germline.
Comment: In summary, the available evidence is currently insufficient to determine the role of this variant in disease. Therefore, it has been classified as a Variant of Uncertain Significance. Algorithms developed to predict the effect of sequence changes on RNA splicing suggest that this variant may create or strengthen a splice site. ClinVar contains an entry for this variant (Variation ID: 2022915). This variant has not been reported in the literature in individuals affected with DNM2-related conditions. This variant is not present in population databases (gnomAD no frequency). This sequence change affects codon 42 of the DNM2 mRNA. It is a 'silent' change, meaning that it does not change the encoded amino acid sequence of the DNM2 protein.

NM_001005361.3(DNM2):c.126C>A (p.Ala42=)

Genes: DNM2 (dynamin 2; plus strand), LOC130063529 (ATAC-STARR-seq lymphoblastoid silent region 10090; plus strand). Cytogenetic location: 19p13.2.
Variant type: single nucleotide variant.
Coding change: c.126C>A on transcript NM_001005361.3 (MANE Select); coding-DNA position 126, C replaced by A.
Protein change: p.Ala42=; no amino-acid change (alanine 42 retained).
Molecular consequence: synonymous variant.
Genome position (GRCh38, 1-based): chr19:10,718,368, C>A. VCF-style: chr19-10718368-C-A. GRCh37 (hg19) VCF-style: chr19-10829044-C-A.
Other names: c.126C>A, p.Ala42= (NM_001005360.3, NM_001005362.3, NM_001190716.2 and 1 more transcripts).
Identifiers: ClinVar variation 2022915 (VCV002022915.4), dbSNP rs1425173670, ClinGen allele CA505483428.